The following is an entry in ClinVar:

ClinVar aggregate classification (germline): Likely pathogenic (1 of 4 stars; one submission).

Conditions:
Cerebral palsy. Identifiers: MedGen C0007789, MONDO:0006497, HP:0100021.

Submission:

Neurogenetics Research Program, University of Adelaide
Classification: Likely pathogenic for Cerebral palsy. Last evaluated: 2021-06-10. Review status: criteria provided, single submitter. Criteria: ACMG Guidelines, 2015. Collection method: research. Allele origin: paternal. Affected: yes. Observed: 1 variant allele.
Comment: Alters glycine residue in Triple helix domain.

NM_001846.4(COL4A2):c.3625G>A (p.Gly1209Arg)

Gene: COL4A2 (collagen type IV alpha 2 chain; plus strand). Cytogenetic location: 13q34.
Variant type: single nucleotide variant.
Coding change: c.3625G>A on transcript NM_001846.4 (MANE Select); coding-DNA position 3625, G replaced by A.
Protein change: p.Gly1209Arg; replaces glycine 1209 with arginine.
Molecular consequence: missense variant.
Genome position (GRCh38, 1-based): chr13:110,493,273, G>A. VCF-style: chr13-110493273-G-A. GRCh37 (hg19) VCF-style: chr13-111145620-G-A.
Other names: short protein forms G1209R.
Identifiers: ClinVar variation 1172809 (VCV001172809.1), dbSNP rs2139538791, ClinGen allele CA388733028.